The following is an entry in ClinVar:

ClinVar aggregate classification (germline): Uncertain significance. Review status: criteria provided, multiple submitters, no conflicts (2 of 4 stars). 2 submissions from 2 submitters: Uncertain significance (2). Last evaluated 2024-12-09.

Conditions:
Long QT syndrome (LQTS). Identifiers: MedGen C0023976, MeSH D008133, MONDO:0002442. Disease mechanism: loss of function. Inheritance: Various modes of inheritance.
Cardiovascular phenotype. Identifiers: MedGen CN230736.

Allele frequency attached by ClinVar (database versions not stated): gnomAD exomes below 0.00001; TOPMed 0.00002.
gnomAD v4.1: 4 of 1,611,194 alleles (0.00025%); highest among the groups gnomAD compares: Middle Eastern, 0.05%; 1 homozygote.

Submissions (2):

Ambry Genetics
Classification: Uncertain significance for Cardiovascular phenotype. Last evaluated: 2024-12-09. Review status: criteria provided, single submitter. Criteria: Ambry Variant Classification Scheme 2023. Collection method: clinical testing. Allele origin: germline.
Comment: The p.K167R variant (also known as c.500A>G), located in coding exon 3 of the SNTA1 gene, results from an A to G substitution at nucleotide position 500. The lysine at codon 167 is replaced by arginine, an amino acid with highly similar properties. This amino acid position is highly conserved in available vertebrate species. In addition, this alteration is predicted to be tolerated by in silico analysis. Since supporting evidence is limited at this time, the clinical significance of this alteration remains unclear.

Labcorp Genetics (formerly Invitae), Labcorp
Classification: Uncertain significance for Long QT syndrome. Last evaluated: 2024-09-12. Review status: criteria provided, single submitter. Criteria: Invitae Variant Classification Sherloc (09022015). Collection method: clinical testing. Allele origin: germline.
Comment: This sequence change replaces lysine, which is basic and polar, with arginine, which is basic and polar, at codon 167 of the SNTA1 protein (p.Lys167Arg). This variant is not present in population databases (gnomAD no frequency). This variant has not been reported in the literature in individuals affected with SNTA1-related conditions. ClinVar contains an entry for this variant (Variation ID: 1744748). Invitae Evidence Modeling of protein sequence and biophysical properties (such as structural, functional, and spatial information, amino acid conservation, physicochemical variation, residue mobility, and thermodynamic stability) indicates that this missense variant is not expected to disrupt SNTA1 protein function with a negative predictive value of 80%. In summary, the available evidence is currently insufficient to determine the role of this variant in disease. Therefore, it has been classified as a Variant of Uncertain Significance.

NM_003098.3(SNTA1):c.500A>G (p.Lys167Arg)

Gene: SNTA1 (syntrophin alpha 1; minus strand). Cytogenetic location: 20q11.21.
Variant type: single nucleotide variant.
Coding change: c.500A>G on transcript NM_003098.3 (MANE Select); coding-DNA position 500, A replaced by G.
Protein change: p.Lys167Arg; replaces lysine 167 with arginine.
Molecular consequence: missense variant.
Genome position (GRCh38, 1-based): chr20:33,417,920, T>C on the plus strand (A>G on the coding strand, the complement: SNTA1 is on the minus strand). VCF-style: chr20-33417920-T-C. GRCh37 (hg19) VCF-style: chr20-32005726-T-C.
Other names: short protein forms K167R.
Identifiers: ClinVar variation 1744748 (VCV001744748.5), dbSNP rs932909554, ClinGen allele CA313261192.